The following is an entry in ClinVar:

ClinVar aggregate classification (germline): Likely benign. Review status: criteria provided, single submitter (1 of 4 stars). 2 submissions from 2 submitters: Likely benign (1). 1 of the submissions does not count toward it. Last evaluated 2023-12-13.

Conditions:
NOTCH1-related disorder. Also called: NOTCH1-related condition; NOTCH1-related disorders.
Adams-Oliver syndrome 5 (AOS5). Identifiers: Orphanet 974, MedGen C4014970, MONDO:0014459, OMIM 616028.

Allele frequency attached by ClinVar (database versions not stated): gnomAD 0.00001; gnomAD exomes 0.00002; TOPMed 0.00002.
gnomAD v4.1: 23 of 1,612,520 alleles (0.0014%); highest among the groups gnomAD compares: East Asian, 0.013%; no homozygotes.

Submissions (2):

Labcorp Genetics (formerly Invitae), Labcorp
Classification: Likely benign for Adams-Oliver syndrome 5. Last evaluated: 2023-12-13. Review status: criteria provided, single submitter. Criteria: Invitae Variant Classification Sherloc (09022015). Collection method: clinical testing. Allele origin: germline.

PreventionGenetics, part of Exact Sciences
Classification: Likely benign for NOTCH1-related condition. Last evaluated: 2022-07-28. Review status: no assertion criteria provided. Collection method: clinical testing. Allele origin: germline. Not counted in ClinVar's aggregate classification.
Comment: This variant is classified as likely benign based on ACMG/AMP sequence variant interpretation guidelines (Richards et al. 2015 PMID: 25741868, with internal and published modifications).

NM_017617.5(NOTCH1):c.5472+10G>A

Gene: NOTCH1 (notch receptor 1; minus strand). Cytogenetic location: 9q34.3.
Variant type: single nucleotide variant.
Coding change: c.5472+10G>A on transcript NM_017617.5 (MANE Select); 10 bases into the intron after coding-DNA position 5472, G replaced by A.
Molecular consequence: intron variant.
Genome position (GRCh38, 1-based): chr9:136,501,991, C>T on the plus strand (G>A on the coding strand, the complement: NOTCH1 is on the minus strand). VCF-style: chr9-136501991-C-T. GRCh37 (hg19) VCF-style: chr9-139396443-C-T.
Other names: c.5472+10G>A (NM_017617.4).
Identifiers: ClinVar variation 1146094 (VCV001146094.11), dbSNP rs1484527670, ClinGen allele CA591366831.